The following is an entry in ClinVar:

ClinVar aggregate classification (germline): Uncertain significance (1 of 4 stars; one submission).

Conditions:
Dilated cardiomyopathy 1O (CMD1O). Also called: CARDIOMYOPATHY, DILATED, WITH VENTRICULAR TACHYCARDIA. Identifiers: Orphanet 154, MedGen C1837839, MONDO:0012062, OMIM 608569.

Allele frequency attached by ClinVar (database versions not stated): ExAC 0.00001; gnomAD exomes 0.00001 and below 0.00001; gnomAD 0.00001.

Submission:

Labcorp Genetics (formerly Invitae), Labcorp
Classification: Uncertain significance for Dilated cardiomyopathy 1O. Last evaluated: 2025-04-28. Review status: criteria provided, single submitter. Criteria: Invitae Variant Classification Sherloc (09022015). Collection method: clinical testing. Allele origin: germline.
Comment: This sequence change falls in intron 24 of the ABCC9 gene. It does not directly change the encoded amino acid sequence of the ABCC9 protein. It affects a nucleotide within the consensus splice site. This variant is present in population databases (rs755744406, gnomAD 0.003%). This variant has not been reported in the literature in individuals affected with ABCC9-related conditions. ClinVar contains an entry for this variant (Variation ID: 1424859). Variants that disrupt the consensus splice site are a relatively common cause of aberrant splicing (PMID: 17576681, 9536098). Algorithms developed to predict the effect of sequence changes on RNA splicing suggest that this variant is not likely to affect RNA splicing. In summary, the available evidence is currently insufficient to determine the role of this variant in disease. Therefore, it has been classified as a Variant of Uncertain Significance.

Literature cited by the submitters: PubMed 17576681; PubMed 9536098.

NM_020297.4(ABCC9):c.3096+4del

Gene: ABCC9 (ATP binding cassette subfamily C member 9; minus strand). Cytogenetic location: 12p12.1.
Variant type: Deletion.
Coding change: c.3096+4del on transcript NM_020297.4 (MANE Select); 4 bases into the intron after coding-DNA position 3096, one base deleted (C; older notation c.3096+4delC).
Molecular consequence: intron variant.
Genome position (GRCh38, 1-based): chr12:21,845,599, G deleted on the plus strand (C on the coding strand, the reverse complement: ABCC9 is on the minus strand). VCF-style (leftmost placement, unchanged base first): chr12-21845598-TG-T. GRCh37 (hg19) VCF-style: chr12-21998532-TG-T.
Other names: c.2229+4del (NM_001377274.1); c.3096+4del (NM_005691.4, NM_001377273.1).
Identifiers: ClinVar variation 1424859 (VCV001424859.6), dbSNP rs755744406, ClinGen allele CA6481217.